The following is an entry in ClinVar:

NM_058216.3(RAD51C):c.539T>G (p.Leu180Arg)

Gene: RAD51C (RAD51 paralog C; plus strand). Cytogenetic location: 17q22.
Variant type: single nucleotide variant.
Coding change: c.539T>G on transcript NM_058216.3 (MANE Select); coding-DNA position 539, T replaced by G.
Protein change: p.Leu180Arg; replaces leucine 180 with arginine.
Molecular consequence: missense variant.
Genome position (GRCh38, 1-based): chr17:58,696,827, T>G. VCF-style: chr17-58696827-T-G. GRCh37 (hg19) VCF-style: chr17-56774188-T-G.
Other names: c.539T>G (LRG_314t1); short protein forms L180R.
Identifiers: ClinVar variation 484760 (VCV000484760.18), dbSNP rs1555594869, ClinGen allele CA400345259.

ClinVar aggregate classification (germline): Uncertain significance. Review status: criteria provided, multiple submitters, no conflicts (2 of 4 stars). 3 submissions from 3 submitters: Uncertain significance (3). Last evaluated 2025-01-20.

Conditions:
Fanconi anemia complementation group O. Also called: RAD51C-Related Fanconi Anemia. Identifiers: Orphanet 84, MedGen C3150653, MONDO:0013248, OMIM 613390.
Hereditary cancer-predisposing syndrome. Also called: Hereditary neoplastic syndrome; Neoplastic Syndromes, Hereditary; Tumor predisposition; Hereditary Cancer Syndrome. Identifiers: Orphanet 140162, MedGen C0027672, MeSH D009386, MONDO:0015356.

Submissions (3):

Labcorp Genetics (formerly Invitae), Labcorp
Classification: Uncertain significance for Fanconi anemia complementation group O. Last evaluated: 2025-01-20. Review status: criteria provided, single submitter. Criteria: Invitae Variant Classification Sherloc (09022015). Collection method: clinical testing. Allele origin: germline.
Comment: This sequence change replaces leucine, which is neutral and non-polar, with arginine, which is basic and polar, at codon 180 of the RAD51C protein (p.Leu180Arg). This variant is not present in population databases (gnomAD no frequency). This variant has not been reported in the literature in individuals affected with RAD51C-related conditions. ClinVar contains an entry for this variant (Variation ID: 484760). An algorithm developed to predict the effect of missense changes on protein structure and function (PolyPhen-2) suggests that this variant is likely to be disruptive. In summary, the available evidence is currently insufficient to determine the role of this variant in disease. Therefore, it has been classified as a Variant of Uncertain Significance.

Molecular Diagnostics Laboratory, Catalan Institute of Oncology
Classification: Uncertain significance for Hereditary cancer-predisposing syndrome. Last evaluated: 2024-11-10. Review status: criteria provided, single submitter. Criteria: ACMG Guidelines, 2015. Collection method: clinical testing. Allele origin: germline.
Comment: PM2_Supporting c.539T>G, located in exon 3 of the RAD51C gene, is predicted to result in the substitution of Leu by Arg at codon 180, p.(Leu180Arg). It is not present in the population database gnomAD v2.1.1, non cancer dataset (PM2_supporting). The SpliceAI algorithm predicts no significant impact on splicing, but the REVEL meta-predictor score (0.3) for this variant is indeterminate regarding the effect that it may have on protein function according Pejaver 2022 thresholds (PMID: 36413997). To our knowledge, neither clinical data nor functional studies have been reported for this variant. It has only been reported twice in ClinVar, as an uncertain significance variant. Based on currently available information, the variant c.539T>G should be considered an uncertain significance variant.

Ambry Genetics
Classification: Uncertain significance for Hereditary cancer-predisposing syndrome. Last evaluated: 2024-06-01. Review status: criteria provided, single submitter. Criteria: Ambry Variant Classification Scheme 2023. Collection method: clinical testing. Allele origin: germline.
Comment: The p.L180R variant (also known as c.539T>G), located in coding exon 3 of the RAD51C gene, results from a T to G substitution at nucleotide position 539. The leucine at codon 180 is replaced by arginine, an amino acid with dissimilar properties. This amino acid position is well conserved in available vertebrate species. In addition, the in silico prediction for this alteration is inconclusive. Since supporting evidence is limited at this time, the clinical significance of this alteration remains unclear.